The following is an entry in ClinVar:

ClinVar aggregate classification (germline): Uncertain significance (1 of 4 stars; one submission).

Submission:

Labcorp Genetics (formerly Invitae), Labcorp
Classification: Uncertain significance. Last evaluated: 2022-07-06. Review status: criteria provided, single submitter. Criteria: Invitae Variant Classification Sherloc (09022015). Collection method: clinical testing. Allele origin: germline.
Comment: This sequence change replaces glutamic acid, which is acidic and polar, with lysine, which is basic and polar, at codon 133 of the PCARE protein (p.Glu133Lys). The frequency data for this variant in the population databases is considered unreliable, as metrics indicate poor data quality at this position in the gnomAD database. This variant has not been reported in the literature in individuals affected with PCARE-related conditions. ClinVar contains an entry for this variant (Variation ID: 1355741). Algorithms developed to predict the effect of missense changes on protein structure and function are either unavailable or do not agree on the potential impact of this missense change (SIFT: "Tolerated"; PolyPhen-2: "Possibly Damaging"; Align-GVGD: "Class C15"). In summary, the available evidence is currently insufficient to determine the role of this variant in disease. Therefore, it has been classified as a Variant of Uncertain Significance.

NM_001029883.3(PCARE):c.397G>A (p.Glu133Lys)

Gene: PCARE (photoreceptor cilium actin regulator; minus strand). Cytogenetic location: 2p23.2.
Variant type: single nucleotide variant.
Coding change: c.397G>A on transcript NM_001029883.3 (MANE Select); coding-DNA position 397, G replaced by A.
Protein change: p.Glu133Lys; replaces glutamic acid 133 with lysine.
Molecular consequence: missense variant.
Genome position (GRCh38, 1-based): chr2:29,073,865, C>T on the plus strand (G>A on the coding strand, the complement: PCARE is on the minus strand). VCF-style: chr2-29073865-C-T. GRCh37 (hg19) VCF-style: chr2-29296731-C-T.
Other names: short protein forms E133K.
Identifiers: ClinVar variation 1355741 (VCV001355741.5), dbSNP rs768682214, ClinGen allele CA44644113.